The following is an entry in ClinVar:

NM_025137.4(SPG11):c.5566G>C (p.Glu1856Gln)

Gene: SPG11 (SPG11 vesicle trafficking associated, spatacsin; minus strand). Cytogenetic location: 15q21.1.
Variant type: single nucleotide variant.
Coding change: c.5566G>C on transcript NM_025137.4 (MANE Select); coding-DNA position 5566, G replaced by C.
Protein change: p.Glu1856Gln; replaces glutamic acid 1856 with glutamine.
Molecular consequence: missense variant.
Genome position (GRCh38, 1-based): chr15:44,584,114, C>G on the plus strand (G>C on the coding strand, the complement: SPG11 is on the minus strand). VCF-style: chr15-44584114-C-G. GRCh37 (hg19) VCF-style: chr15-44876312-C-G.
Other names: c.5566G>C, p.Glu1856Gln (NM_001160227.2); c.5422G>C, p.Glu1808Gln (NM_001411132.1); short protein forms E1808Q, E1856Q.
Identifiers: ClinVar variation 2075135 (VCV002075135.4), dbSNP rs749792714, ClinGen allele CA7534387.

ClinVar aggregate classification (germline): Uncertain significance (1 of 4 stars; one submission).

Conditions:
Hereditary spastic paraplegia 11. Also called: Nakamura Osame syndrome; Autosomal recessive hereditary spastic paraplegia, mental impairment, and thin corpus callosum; SPASTIC PARAPLEGIA, AUTOSOMAL RECESSIVE, COMPLICATED, WITH THIN CORPUS CALLOSUM; SPASTIC PARAPLEGIA, AUTOSOMAL RECESSIVE, WITH MENTAL IMPAIRMENT AND THIN CORPUS CALLOSUM; Spastic Paraplegia 11; Spastic paraplegia, mental retardation and thin corpus callosum. Identifiers: Orphanet 2822, MedGen C1858479, MONDO:0011445, OMIM 604360.

Allele frequency attached by ClinVar (database versions not stated): ExAC 0.00001; gnomAD exomes 0.00001; TOPMed 0.00001.
gnomAD v4.1: 4 of 1,614,210 alleles (0.00025%); highest among the groups gnomAD compares: East Asian, 0.0067%; no homozygotes.

Submission:

Labcorp Genetics (formerly Invitae), Labcorp
Classification: Uncertain significance for Hereditary spastic paraplegia 11. Last evaluated: 2022-01-05. Review status: criteria provided, single submitter. Criteria: Invitae Variant Classification Sherloc (09022015). Collection method: clinical testing. Allele origin: germline.
Comment: In summary, the available evidence is currently insufficient to determine the role of this variant in disease. Therefore, it has been classified as a Variant of Uncertain Significance. Algorithms developed to predict the effect of missense changes on protein structure and function (SIFT, PolyPhen-2, Align-GVGD) all suggest that this variant is likely to be tolerated. This variant has not been reported in the literature in individuals affected with SPG11-related conditions. This variant is present in population databases (rs749792714, gnomAD 0.006%). This sequence change replaces glutamic acid, which is acidic and polar, with glutamine, which is neutral and polar, at codon 1856 of the SPG11 protein (p.Glu1856Gln).